The following is an entry in ClinVar:

NM_001376.5(DYNC1H1):c.2476T>C (p.Ser826Pro)

Gene: DYNC1H1 (dynein cytoplasmic 1 heavy chain 1; plus strand). Cytogenetic location: 14q32.31.
Variant type: single nucleotide variant.
Coding change: c.2476T>C on transcript NM_001376.5 (MANE Select); coding-DNA position 2476, T replaced by C.
Protein change: p.Ser826Pro; replaces serine 826 with proline.
Molecular consequence: missense variant.
Genome position (GRCh38, 1-based): chr14:101,986,701, T>C. VCF-style: chr14-101986701-T-C. GRCh37 (hg19) VCF-style: chr14-102453038-T-C.
Other names: short protein forms S826P.
Identifiers: ClinVar variation 1679155 (VCV001679155.3), dbSNP rs2141275205, ClinGen allele CA391024332.

ClinVar aggregate classification (germline): Uncertain significance (1 of 4 stars; one submission).

Conditions:
Cortical dysplasia, complex, with other brain malformations 13. Also called: Intellectual disability, autosomal dominant 13. Identifiers: MedGen C3281202, MONDO:0013805, OMIM 614563.

Submission:

Institute of Human Genetics, University of Leipzig Medical Center
Classification: Uncertain significance for Cortical dysplasia, complex, with other brain malformations 13. Last evaluated: 2024-09-19. Review status: criteria provided, single submitter. Criteria: ACMG Guidelines, 2015. Collection method: clinical testing. Allele origin: unknown. Inheritance: Autosomal dominant inheritance. Affected: yes.
Comment: Criteria applied: PM2,PP2,PP3